The following is an entry in ClinVar:

ClinVar aggregate classification (germline): Uncertain significance (1 of 4 stars; one submission).

gnomAD v4.1: 3 of 1,614,154 alleles (0.00019%); highest among the groups gnomAD compares: Non-Finnish European, 0.000085%; no homozygotes.

Submission:

Labcorp Genetics (formerly Invitae), Labcorp
Classification: Uncertain significance. Last evaluated: 2024-12-16. Review status: criteria provided, single submitter. Criteria: Invitae Variant Classification Sherloc (09022015). Collection method: clinical testing. Allele origin: germline.
Comment: This sequence change replaces proline, which is neutral and non-polar, with histidine, which is basic and polar, at codon 282 of the MS4A1 protein (p.Pro282His). This variant is not present in population databases (gnomAD no frequency). This variant has not been reported in the literature in individuals affected with MS4A1-related conditions. ClinVar contains an entry for this variant (Variation ID: 1466455). An algorithm developed to predict the effect of missense changes on protein structure and function (PolyPhen-2) suggests that this variant is likely to be disruptive. In summary, the available evidence is currently insufficient to determine the role of this variant in disease. Therefore, it has been classified as a Variant of Uncertain Significance.

NM_152866.3(MS4A1):c.845C>A (p.Pro282His)

Gene: MS4A1 (membrane spanning 4-domains A1; plus strand). Cytogenetic location: 11q12.2.
Variant type: single nucleotide variant.
Coding change: c.845C>A on transcript NM_152866.3 (MANE Select); coding-DNA position 845, C replaced by A.
Protein change: p.Pro282His; replaces proline 282 with histidine.
Molecular consequence: missense variant.
Genome position (GRCh38, 1-based): chr11:60,468,419, C>A. VCF-style: chr11-60468419-C-A. GRCh37 (hg19) VCF-style: chr11-60235892-C-A.
Other names: c.845C>A, p.Pro282His (NM_021950.4, NM_152867.2); short protein forms P282H.
Identifiers: ClinVar variation 1466455 (VCV001466455.8), dbSNP rs372609277, ClinGen allele CA222766063.
Genomic context (GRCh38, chr11:60,468,419, plus strand): 5'-TTGAAATTATTCCAATCCAAGAAGAGGAAGAAGAAGAAACAGAGACGAACTTTCCAGAAC[C>A]TCCCCAAGATCAGGAATCCTCACCAATAGAAAATGACAGCTCTCCTTAAGTGATTTCTTC-3'
Protein context (NP_690605.1, residues 272-292): EEETETNFPE[Pro282His]PQDQESSPIE